The following is an entry in ClinVar:

ClinVar aggregate classification (germline): Pathogenic (1 of 4 stars; one submission).

Submission:

Labcorp Genetics (formerly Invitae), Labcorp
Classification: Pathogenic. Last evaluated: 2022-10-11. Review status: criteria provided, single submitter. Criteria: Invitae Variant Classification Sherloc (09022015). Collection method: clinical testing. Allele origin: germline.
Comment: This variant has not been reported in the literature in individuals affected with YWHAG-related conditions. Information on the frequency of this variant in the gnomAD database is not available, as this variant may be reported differently in the database. This sequence change creates a premature translational stop signal (p.Tyr20*) in the YWHAG gene. It is expected to result in an absent or disrupted protein product. Loss-of-function variants in YWHAG are known to be pathogenic (PMID: 33767733). ClinVar contains an entry for this variant (Variation ID: 1386883). For these reasons, this variant has been classified as Pathogenic.

Literature cited by the submitters: PubMed 33767733.

NM_012479.4(YWHAG):c.60_61delinsGA (p.Tyr20_Asp21delinsTer)

Gene: YWHAG (tyrosine 3-monooxygenase/tryptophan 5-monooxygenase activation protein gamma; minus strand). Cytogenetic location: 7q11.23.
Variant type: Indel.
Coding change: c.60_61delinsGA on transcript NM_012479.4 (MANE Select); coding-DNA positions 60 to 61, CG replaced by GA.
Protein change: p.Tyr20_Asp21delinsTer.
Molecular consequence: nonsense.
Genome position (GRCh38, 1-based): chr7:76,358,748-76,358,749, CG replaced by TC on the plus strand (CG replaced by GA on the coding strand, the reverse complement: YWHAG is on the minus strand). VCF-style: chr7-76358748-CG-TC. GRCh37 (hg19) VCF-style: chr7-75988065-CG-TC.
Identifiers: ClinVar variation 1386883 (VCV001386883.6), dbSNP rs2115667069, ClinGen allele CA2573142325.